The following is an entry in ClinVar:

NM_206933.4(USH2A):c.4784C>T (p.Thr1595Ile)

Gene: USH2A (usherin; minus strand). Cytogenetic location: 1q41.
Variant type: single nucleotide variant.
Coding change: c.4784C>T on transcript NM_206933.4 (MANE Select); coding-DNA position 4784, C replaced by T.
Protein change: p.Thr1595Ile; replaces threonine 1595 with isoleucine.
Molecular consequence: missense variant.
Genome position (GRCh38, 1-based): chr1:216,089,114, G>A on the plus strand (C>T on the coding strand, the complement: USH2A is on the minus strand). VCF-style: chr1-216089114-G-A. GRCh37 (hg19) VCF-style: chr1-216262456-G-A.
Other names: c.4784C>T (NM_206933.2); short protein forms T1595I.
Identifiers: ClinVar variation 2148577 (VCV002148577.3), dbSNP rs1037289217, ClinGen allele CA37449204.

ClinVar aggregate classification (germline): Uncertain significance. Review status: criteria provided, multiple submitters, no conflicts (2 of 4 stars). 2 submissions from 2 submitters: Uncertain significance (2). Last evaluated 2025-11-13.

Conditions:
USH2A-related disorder. Also called: USH2A-related condition; USH2A-related disorders. Identifiers: MedGen CN239332.

Allele frequency attached by ClinVar (database versions not stated): gnomAD 0.00001; TOPMed 0.00001; gnomAD exomes 0.00003.
gnomAD v4.1: 39 of 1,612,978 alleles (0.0024%); highest among the groups gnomAD compares: Non-Finnish European, 0.0031%; no homozygotes.

Submissions (2):

Labcorp Genetics (formerly Invitae), Labcorp
Classification: Uncertain significance. Last evaluated: 2025-11-13. Review status: criteria provided, single submitter. Criteria: Invitae Variant Classification Sherloc (09022015). Collection method: clinical testing. Allele origin: germline.
Comment: This sequence change replaces threonine, which is neutral and polar, with isoleucine, which is neutral and non-polar, at codon 1595 of the USH2A protein (p.Thr1595Ile). This variant is not present in population databases (gnomAD no frequency). This variant has not been reported in the literature in individuals affected with USH2A-related conditions. ClinVar contains an entry for this variant (Variation ID: 2148577). Invitae Evidence Modeling of protein sequence and biophysical properties (such as structural, functional, and spatial information, amino acid conservation, physicochemical variation, residue mobility, and thermodynamic stability) indicates that this missense variant is not expected to disrupt USH2A protein function with a negative predictive value of 95%. In summary, the available evidence is currently insufficient to determine the role of this variant in disease. Therefore, it has been classified as a Variant of Uncertain Significance.

PreventionGenetics, part of Exact Sciences
Classification: Uncertain significance for USH2A-related condition. Last evaluated: 2024-11-26. Review status: criteria provided, single submitter. Criteria: ACMG Guidelines, 2015. Collection method: clinical testing. Allele origin: germline.
Comment: The USH2A c.4784C>T variant is predicted to result in the amino acid substitution p.Thr1595Ile. To our knowledge, this variant has not been reported in the literature. This variant is reported in 0.00088% of alleles in individuals of European (Non-Finnish) descent in gnomAD. At this time, the clinical significance of this variant is uncertain due to the absence of conclusive functional and genetic evidence.